The following is an entry in ClinVar:

ClinVar aggregate classification (germline): Likely benign. Review status: criteria provided, single submitter (1 of 4 stars). 2 submissions from 2 submitters: Likely benign (1). 1 of the submissions does not count toward it. Last evaluated 2020-03-02.

Conditions:
INSR-related disorder.

Allele frequency attached by ClinVar (database versions not stated): ExAC 0.00004; gnomAD exomes 0.00006 and 0.00013; gnomAD 0.00007; TOPMed 0.00010; ESP Exome Variant Server 0.00015.
gnomAD v4.1: 206 of 1,613,684 alleles (0.013%); highest among the groups gnomAD compares: Non-Finnish European, 0.016%; no homozygotes.

Submissions (2):

Genetic Services Laboratory, University of Chicago
Classification: Likely benign. Last evaluated: 2020-03-02. Review status: criteria provided, single submitter. Criteria: ACMG Guidelines, 2015. Collection method: clinical testing. Allele origin: germline. Affected: no.

PreventionGenetics, part of Exact Sciences
Classification: Likely benign for INSR-related condition. Last evaluated: 2021-02-23. Review status: no assertion criteria provided. Collection method: clinical testing. Allele origin: germline. Not counted in ClinVar's aggregate classification.
Comment: This variant is classified as likely benign based on ACMG/AMP sequence variant interpretation guidelines (Richards et al. 2015 PMID: 25741868, with internal and published modifications).

NM_000208.4(INSR):c.123G>T (p.Arg41=)

Gene: INSR (insulin receptor; minus strand). Cytogenetic location: 19p13.2.
Variant type: single nucleotide variant.
Coding change: c.123G>T on transcript NM_000208.4 (MANE Select); coding-DNA position 123, G replaced by T.
Protein change: p.Arg41=; no amino-acid change (arginine 41 retained).
Molecular consequence: synonymous variant.
Genome position (GRCh38, 1-based): chr19:7,267,874, C>A on the plus strand (G>T on the coding strand, the complement: INSR is on the minus strand). VCF-style: chr19-7267874-C-A. GRCh37 (hg19) VCF-style: chr19-7267885-C-A.
Other names: c.123G>T, p.Arg41= (NM_001079817.3).
Identifiers: ClinVar variation 1336179 (VCV001336179.6), dbSNP rs372938158, ClinGen allele CA9136166.
Genomic context (GRCh38, chr19:7,267,874, plus strand): 5'-CTGCAAGTGTCCTTCGATGACAGAGCAATTCTCCAGCTCATGCAACCTAGTGAGGTTGTT[C>A]CGGATATCCATGCCGGGACACACTACAAGAGAAAATGAACAGAAAGCAAGACAGGTGAGC-3'
Protein context (NP_000199.2, residues 31-51): PGEVCPGMDI[Arg41=]NNLTRLHELE